The following is an entry in ClinVar:

NM_006929.5(SKIC2):c.585C>T (p.Asp195=)

Gene: SKIC2 (SKI2 subunit of superkiller complex; plus strand). Cytogenetic location: 6p21.33.
Variant type: single nucleotide variant.
Coding change: c.585C>T on transcript NM_006929.5 (MANE Select); coding-DNA position 585, C replaced by T.
Protein change: p.Asp195=; no amino-acid change (aspartic acid 195 retained).
Molecular consequence: synonymous variant.
Genome position (GRCh38, 1-based): chr6:31,961,081, C>T. VCF-style: chr6-31961081-C-T. GRCh37 (hg19) VCF-style: chr6-31928858-C-T.
Identifiers: ClinVar variation 356317 (VCV000356317.16), dbSNP rs145042380, ClinGen allele CA3729212.
Genomic context (GRCh38, chr6:31,961,081, plus strand): 5'-TTCATGTCCCTATCCTACAGATCTTCTTACTATTCCACCTGGTTTCAAGAAAGGCATGGA[C>T]TTTGCACCAAAAGGTTAGTTTTAGTTTTTGAGTGGGGTGTAGGAGAAGTCATGTCCTTCT-3'
Protein context (NP_008860.4, residues 185-205): TIPPGFKKGM[Asp195=]FAPKDCPTPA

ClinVar aggregate classification (germline): Benign/Likely benign. Review status: criteria provided, multiple submitters, no conflicts (2 of 4 stars). 5 submissions from 5 submitters: Benign (1); Likely benign (3). 1 of the submissions does not count toward it. Last evaluated 2026-01-12.

Conditions:
SKIC2-related disorder. Also called: SKIC2-related condition.
Trichohepatoenteric syndrome 2 (THES2). Identifiers: Orphanet 84064, MedGen C3281289, MONDO:0013818, OMIM 614602.

Allele frequency attached by ClinVar (database versions not stated): gnomAD 0.00014 and 0.00023; TOPMed 0.00032; gnomAD exomes 0.00055; ExAC 0.00058; 1000 Genomes Project 30x 0.00078; 1000 Genomes Project 0.00100.
gnomAD v4.1: 371 of 1,613,408 alleles (0.023%); highest among the groups gnomAD compares: East Asian, 0.47%; 2 homozygotes.

Submissions (5):

Labcorp Genetics (formerly Invitae), Labcorp
Classification: Benign. Last evaluated: 2026-01-12. Review status: criteria provided, single submitter. Criteria: Invitae Variant Classification Sherloc (09022015). Collection method: clinical testing. Allele origin: germline.

Blueprint Genetics
Classification: Likely benign. Last evaluated: 2024-10-30. Review status: criteria provided, single submitter. Criteria: ACMG Guidelines, 2015. Collection method: clinical testing. Allele origin: germline.

Fulgent Genetics
Classification: Likely benign for Trichohepatoenteric syndrome 2. Last evaluated: 2022-01-28. Review status: criteria provided, single submitter. Criteria: ACMG Guidelines, 2015. Collection method: clinical testing. Allele origin: unknown.

Illumina Laboratory Services, Illumina
Classification: Likely benign for Trichohepatoenteric syndrome 2. Last evaluated: 2018-01-13. Review status: criteria provided, single submitter. Criteria: ICSL Variant Classification Criteria 13 December 2019. Collection method: clinical testing. Allele origin: germline.
Comment: This variant was observed in the ICSL laboratory as part of a predisposition screen in an ostensibly healthy population. It had not been previously curated by ICSL or reported in the Human Gene Mutation Database (HGMD: prior to June 1st, 2018), and was therefore a candidate for classification through an automated scoring system. Utilizing variant allele frequency, disease prevalence and penetrance estimates, and inheritance mode, an automated score was calculated to assess if this variant is too frequent to cause the disease. Based on the score and internal cut-off values, a variant classified as likely benign is not then subjected to further curation. The score for this variant resulted in a classification of likely benign for this disease.

PreventionGenetics, part of Exact Sciences
Classification: Likely benign for SKIC2-related condition. Last evaluated: 2019-06-07. Review status: no assertion criteria provided. Collection method: clinical testing. Allele origin: germline. Not counted in ClinVar's aggregate classification.
Comment: This variant is classified as likely benign based on ACMG/AMP sequence variant interpretation guidelines (Richards et al. 2015 PMID: 25741868, with internal and published modifications).